The following is an entry in ClinVar:

ClinVar aggregate classification (germline): Conflicting classifications of pathogenicity. Review status: criteria provided, conflicting classifications (1 of 4 stars). 4 submissions from 4 submitters: Uncertain significance (1); Likely benign (1). 2 of the submissions do not count toward it. Last evaluated 2026-07-01.

Conditions:
Myasthenic syndrome, congenital, 24, presynaptic. Identifiers: MedGen C4748684, MONDO:0032597, OMIM 618198.
MYO9A-related disorder. Also called: MYO9A-related condition.

Allele frequency attached by ClinVar (database versions not stated): gnomAD 0.00017 and 0.00023; ESP Exome Variant Server 0.00023; TOPMed 0.00025; gnomAD exomes 0.00043 and 0.00053; ExAC 0.00055; 1000 Genomes Project 0.00060; 1000 Genomes Project 30x 0.00062.
gnomAD v4.1: 690 of 1,614,054 alleles (0.043%); highest among the groups gnomAD compares: Middle Eastern, 0.63%; 6 homozygotes.

Submissions (4):

CeGaT Center for Human Genetics Tuebingen
Classification: Likely benign. Last evaluated: 2026-07-01. Review status: criteria provided, single submitter. Criteria: CeGaT Center For Human Genetics Tuebingen Variant Classification Criteria Version 2. Collection method: clinical testing. Allele origin: germline. Affected: yes. Observed: 3 variant alleles.
Comment: MYO9A: BP4, BS2

PreventionGenetics, part of Exact Sciences
Classification: Uncertain significance for MYO9A-related condition. Last evaluated: 2022-12-06. Review status: criteria provided, single submitter. Criteria: ACMG Guidelines, 2015. Collection method: clinical testing. Allele origin: germline.
Comment: The MYO9A c.5093A>G variant is predicted to result in the amino acid substitution p.Asp1698Gly. This variant was reported in two siblings with congenital myasthenic syndrome, they also carried variants in several other genes (Table 1, O'Connor et al 2016. PubMed ID: 27259756). This variant is reported in 0.23% of alleles in individuals of South Asian descent in gnomAD. At this time, the clinical significance of this variant is uncertain due to the absence of conclusive functional and genetic evidence.

Solve-RD Consortium
Classification: Likely pathogenic for Myasthenic syndrome, congenital, 24, presynaptic. Last evaluated: 2022-06-01. Review status: no assertion criteria provided. Collection method: provider interpretation. Allele origin: inherited. Affected: yes. Not counted in ClinVar's aggregate classification.
Comment: Variant confirmed as disease-causing by referring clinical team

Variant identified during reanalysis of unsolved cases by the Solve-RD project. The Solve-RD project has received funding from the European Union’s Horizon 2020 research and innovation programme under grant agreement No 779257.

OMIM
Classification: Pathogenic for MYASTHENIC SYNDROME, CONGENITAL, 24. Last evaluated: 2018-11-29. Review status: no assertion criteria provided. Collection method: literature only. Allele origin: germline. Not counted in ClinVar's aggregate classification.

Literature cited by the submitters: PubMed 39825153 (cited by Solve-RD Consortium); PubMed 27259756 (cited by OMIM).

NM_006901.4(MYO9A):c.5093A>G (p.Asp1698Gly)

Gene: MYO9A (myosin IXA; minus strand). Cytogenetic location: 15q23.
Variant type: single nucleotide variant.
Coding change: c.5093A>G on transcript NM_006901.4 (MANE Select); coding-DNA position 5093, A replaced by G.
Protein change: p.Asp1698Gly; replaces aspartic acid 1698 with glycine.
Molecular consequence: missense variant.
Genome position (GRCh38, 1-based): chr15:71,893,728, T>C on the plus strand (A>G on the coding strand, the complement: MYO9A is on the minus strand). VCF-style: chr15-71893728-T-C. GRCh37 (hg19) VCF-style: chr15-72186069-T-C.
Other names: MYO9A, ASP1698GLY (rs150726107); c.5093A>G (NM_006901.3); short protein forms D1698G.
Identifiers: ClinVar variation 590982 (VCV000590982.26), dbSNP rs150726107, ClinGen allele CA7641259.
Genomic context (GRCh38, chr15:71,893,728, plus strand): 5'-TCAAAACTTACCTCTCTTTGGCCTGGCCCAGCTAACTTCACAGGTTTCCATGCTGGTTCA[T>C]CTTCTTTATGGAGTTGAGGATTTTTACTGTTTAAGGCTTCTTTGCTGACACTTTAAATAA-3'
Protein context (NP_008832.2, residues 1688-1708): NSKNPQLHKE[Asp1698Gly]EPAWKPVKLA